The following is an entry in ClinVar:

ClinVar aggregate classification (germline): Likely benign (1 of 4 stars; one submission).

Submission:

CeGaT Center for Human Genetics Tuebingen
Classification: Likely benign. Last evaluated: 2023-11-01. Review status: criteria provided, single submitter. Criteria: CeGaT Center For Human Genetics Tuebingen Variant Classification Criteria Version 2. Collection method: clinical testing. Allele origin: germline. Affected: yes. Observed: 1 variant allele.
Comment: DUOX1: BP4, BP7

NM_175940.3(DUOX1):c.1524A>G (p.Leu508=)

Gene: DUOX1 (dual oxidase 1; plus strand). Cytogenetic location: 15q21.1.
Variant type: single nucleotide variant.
Coding change: c.1524A>G on transcript NM_175940.3 (MANE Select); coding-DNA position 1524, A replaced by G.
Protein change: p.Leu508=; no amino-acid change (leucine 508 retained).
Molecular consequence: synonymous variant.
Genome position (GRCh38, 1-based): chr15:45,141,029, A>G. VCF-style: chr15-45141029-A-G. GRCh37 (hg19) VCF-style: chr15-45433227-A-G.
Other names: c.1524A>G, p.Leu508= (NM_017434.5).
Identifiers: ClinVar variation 2645297 (VCV002645297.24), dbSNP rs1208367328, ClinGen allele CA490216418.
Genomic context (GRCh38, chr15:45,141,029, plus strand): 5'-GAGCCACCGGGACCCTGGACCTCTGTTCAGCACCATCGTCCTTGAACAATTTGTGCGGCT[A>G]CGGGATGGTGACCGCTACTGGTTTGAGAACACCAGGAATGGGTAAGGCGTGCTGGGCCTC-3'
Protein context (NP_787954.1, residues 498-518): STIVLEQFVR[Leu508=]RDGDRYWFEN